The following is an entry in ClinVar:

NM_000254.3(MTR):c.3356dup (p.Asp1119fs)

Gene: MTR (5-methyltetrahydrofolate-homocysteine methyltransferase; plus strand). Cytogenetic location: 1q43.
Variant type: Duplication.
Coding change: c.3356dup on transcript NM_000254.3 (MANE Select); coding-DNA position 3356, one base duplicated (A; older notation c.3356dupA).
Protein change: p.Asp1119fs; shifts the reading frame from aspartic acid 1119.
Molecular consequence: frameshift variant.
Genome position (GRCh38, 1-based): chr1:236,894,508, A duplicated. VCF-style (leftmost placement, unchanged base first): chr1-236894507-G-GA. GRCh37 (hg19) VCF-style: chr1-237057807-G-GA.
Other names: c.3203dup, p.Asp1068fs (NM_001291939.1); c.2135dup, p.Asp712fs (NM_001291940.2); c.3167dup, p.Asp1056fs (NM_001410942.1); short protein forms D1056fs, D1068fs, D1119fs, D712fs.
Identifiers: ClinVar variation 2633035 (VCV002633035.1), dbSNP rs2528524023, ClinGen allele CA2651189933.

ClinVar aggregate classification (germline): Likely pathogenic (1 of 4 stars; one submission).

Conditions:
MTR-related disorder. Also called: MTR-related condition.

Allele frequency attached by ClinVar (database versions not stated): gnomAD exomes 0.00001.

Submission:

PreventionGenetics, part of Exact Sciences
Classification: Likely pathogenic for MTR-related condition. Last evaluated: 2023-07-05. Review status: criteria provided, single submitter. Criteria: ACMG Guidelines, 2015. Collection method: clinical testing. Allele origin: germline.
Comment: The MTR c.3356dupA variant is predicted to result in a frameshift and premature protein termination (p.Asp1119Glufs*25). To our knowledge, this variant has not been reported in the literature or in a large population database, indicating this variant is rare. Frameshift variants in MTR are expected to be pathogenic. This variant is interpreted as likely pathogenic.